The following is an entry in ClinVar:

NM_000059.4(BRCA2):c.2657_2660del (p.Asn886fs)

Gene: BRCA2 (BRCA2 DNA repair associated; plus strand). Cytogenetic location: 13q13.1.
Variant type: Deletion.
Coding change: c.2657_2660del on transcript NM_000059.4 (MANE Select); coding-DNA positions 2657 to 2660, 4 bases deleted (ATGA; older notation c.2657_2660delATGA).
Protein change: p.Asn886fs; shifts the reading frame from asparagine 886.
Molecular consequence: frameshift variant. On other transcripts: non-coding transcript variant (1), intron variant (2).
Genome position (GRCh38, 1-based): chr13:32,337,012-32,337,015, ATGA deleted; deleting any 4 consecutive bases within chr13:32,337,011-32,337,015 gives the same sequence; the c. name uses the placement nearest the transcript's 3' end. VCF-style (leftmost placement, unchanged base first): chr13-32337010-CAATG-C. GRCh37 (hg19) VCF-style: chr13-32911147-CAATG-C.
Other names: c.2657_2660del, p.Asn886fs (NM_001406720.1, NM_001432077.1, NM_001406719.1); c.1909+3625_1909+3628del (NM_001406721.1); c.424+5982_424+5985del (NM_001406722.1); short protein forms N886fs.
Identifiers: ClinVar variation 4071365 (VCV004071365.1).

ClinVar aggregate classification (germline): Pathogenic (1 of 4 stars; one submission).

Conditions:
Breast-ovarian cancer, familial, susceptibility to, 2 (BROVCA2). Also called: BRCA2 Hereditary Breast and Ovarian Cancer. Identifiers: Orphanet 145, MedGen C2675520, MONDO:0012933, OMIM 612555. Disease mechanism: loss of function.

Submission:

Myriad Genetics, Inc.
Classification: Pathogenic for Breast-ovarian cancer, familial, susceptibility to, 2. Last evaluated: 2025-04-04. Review status: criteria provided, single submitter. Criteria: Myriad Autosomal Dominant, Autosomal Recessive and X-Linked Classification Criteria (2023). Collection method: clinical testing. Allele origin: unknown.
Comment: This variant is considered pathogenic. This variant creates a frameshift predicted to result in premature protein truncation.